The following is an entry in ClinVar:

ClinVar aggregate classification (germline): Uncertain significance (1 of 4 stars; one submission).

Allele frequency attached by ClinVar (database versions not stated): gnomAD exomes below 0.00001.
gnomAD v4.1: 2 of 1,613,876 alleles (0.00012%); highest among the groups gnomAD compares: Non-Finnish European, 0.00017%; no homozygotes.

Submission:

GeneDx
Classification: Uncertain significance. Last evaluated: 2016-12-28. Review status: criteria provided, single submitter. Criteria: GeneDx Variant Classification (06012015). Collection method: clinical testing. Allele origin: germline. Affected: yes.
Comment: The T160P variant in the ZMYND11 gene has not been reported previously as a pathogenic variant, nor as a benign variant, to our knowledge. The T160P variant was not observed in approximately 6500 individuals of European and African American ancestry in the NHLBI Exome Sequencing Project, indicating it is not a common benign variant in these populations. The T160P variant is a non-conservative amino acid substitution, which is likely to impact secondary protein structure as these residues differ in polarity, charge, size and/or other properties. This substitution occurs at a position that is conserved in mammals. In silico analysis predicts this variant is probably damaging to the protein structure/function. We interpret T160P as a variant of uncertain significance.

NM_001370100.5(ZMYND11):c.478A>C (p.Thr160Pro)

Gene: ZMYND11 (zinc finger MYND-type containing 11; plus strand). Cytogenetic location: 10p15.3.
Variant type: single nucleotide variant.
Coding change: c.478A>C on transcript NM_001370100.5 (MANE Select); coding-DNA position 478, A replaced by C.
Protein change: p.Thr160Pro; replaces threonine 160 with proline.
Molecular consequence: missense variant. On other transcripts: non-coding transcript variant (1).
Genome position (GRCh38, 1-based): chr10:236,877, A>C. VCF-style: chr10-236877-A-C. GRCh37 (hg19) VCF-style: chr10-282817-A-C.
Other names: c.316A>C, p.Thr106Pro (NM_001202464.3, NM_001202465.3, NM_001202466.3 and 11 more transcripts); c.478A>C, p.Thr160Pro (NM_001202468.1, NM_001370097.3, NM_001370098.2 and 10 more transcripts); c.427A>C, p.Thr143Pro (NM_001330057.3, NM_001370112.2); c.412A>C, p.Thr138Pro (NM_001370116.2); c.358A>C, p.Thr120Pro (NM_001370118.2); c.250A>C, p.Thr84Pro (NM_001370120.2); c.196A>C, p.Thr66Pro (NM_001370121.2); c.265A>C, p.Thr89Pro (NM_001370123.2); and 1 more; short protein forms T160P, T66P, T84P, T3P, T138P, T143P, T89P, T106P.
Identifiers: ClinVar variation 391511 (VCV000391511.2), dbSNP rs1057524116, ClinGen allele CA16605637.